The following is an entry in ClinVar:

ClinVar aggregate classification (germline): Uncertain significance (1 of 4 stars; one submission).

Conditions:
Cardiovascular phenotype. Identifiers: MedGen CN230736.

Submission:

Ambry Genetics
Classification: Uncertain significance for Cardiovascular phenotype. Last evaluated: 2021-07-08. Review status: criteria provided, single submitter. Criteria: Ambry Variant Classification Scheme 2023. Collection method: clinical testing. Allele origin: germline.
Comment: The p.S155R variant (also known as c.463A>C), located in coding exon 3 of the ACVRL1 gene, results from an A to C substitution at nucleotide position 463. The serine at codon 155 is replaced by arginine, an amino acid with dissimilar properties. This amino acid position is conserved. In addition, this alteration is predicted to be tolerated by in silico analysis. Since supporting evidence is limited at this time, the clinical significance of this alteration remains unclear.

NM_000020.3(ACVRL1):c.463A>C (p.Ser155Arg)

Gene: ACVRL1 (activin A receptor like type 1; plus strand). Cytogenetic location: 12q13.13.
Variant type: single nucleotide variant.
Coding change: c.463A>C on transcript NM_000020.3 (MANE Select); coding-DNA position 463, A replaced by C.
Protein change: p.Ser155Arg; replaces serine 155 with arginine.
Molecular consequence: missense variant.
Genome position (GRCh38, 1-based): chr12:51,913,708, A>C. VCF-style: chr12-51913708-A-C. GRCh37 (hg19) VCF-style: chr12-52307492-A-C.
Other names: c.463A>C, p.Ser155Arg (NM_001077401.2, NM_001406487.1, NM_001406488.1 and 1 more transcripts); short protein forms S155R.
Identifiers: ClinVar variation 1742080 (VCV001742080.2), dbSNP rs2540160845, ClinGen allele CA384899015.